The following is an entry in ClinVar:

ClinVar aggregate classification (germline): Likely pathogenic (1 of 4 stars; one submission).

Submission:

GeneDx
Classification: Likely pathogenic. Last evaluated: 2025-11-14. Review status: criteria provided, single submitter. Criteria: GeneDx Variant Classification Process June 2021. Collection method: clinical testing. Allele origin: germline. Affected: yes.
Comment: Not observed at significant frequency in large population cohorts (gnomAD); In silico analysis suggests that this missense variant does not alter protein structure/function; Has not been previously published as pathogenic or benign to our knowledge

NM_003931.3(WASF1):c.902C>G (p.Thr301Arg)

Gene: WASF1 (WASP family member 1; minus strand). Cytogenetic location: 6q21.
Variant type: single nucleotide variant.
Coding change: c.902C>G on transcript NM_003931.3 (MANE Select); coding-DNA position 902, C replaced by G.
Protein change: p.Thr301Arg; replaces threonine 301 with arginine.
Molecular consequence: missense variant.
Genome position (GRCh38, 1-based): chr6:110,102,208, G>C on the plus strand (C>G on the coding strand, the complement: WASF1 is on the minus strand). VCF-style: chr6-110102208-G-C. GRCh37 (hg19) VCF-style: chr6-110423411-G-C.
Other names: c.902C>G, p.Thr301Arg (NM_001024934.2, NM_001024935.2, NM_001024936.2); short protein forms T301R.
Identifiers: ClinVar variation 3373368 (VCV003373368.2).